The following is an entry in ClinVar:

ClinVar aggregate classification (germline): Uncertain significance (1 of 4 stars; one submission).

Submission:

Labcorp Genetics (formerly Invitae), Labcorp
Classification: Uncertain significance. Last evaluated: 2022-07-12. Review status: criteria provided, single submitter. Criteria: Invitae Variant Classification Sherloc (09022015). Collection method: clinical testing. Allele origin: germline.
Comment: This sequence change replaces glycine, which is neutral and non-polar, with cysteine, which is neutral and slightly polar, at codon 1065 of the LAMC3 protein (p.Gly1065Cys). In summary, the available evidence is currently insufficient to determine the role of this variant in disease. Therefore, it has been classified as a Variant of Uncertain Significance. Algorithms developed to predict the effect of missense changes on protein structure and function are either unavailable or do not agree on the potential impact of this missense change (SIFT: "Deleterious"; PolyPhen-2: "Possibly Damaging"; Align-GVGD: "Class C0"). ClinVar contains an entry for this variant (Variation ID: 1428198). This variant has not been reported in the literature in individuals affected with LAMC3-related conditions. This variant is not present in population databases (gnomAD no frequency).

NM_006059.4(LAMC3):c.3193G>T (p.Gly1065Cys)

Gene: LAMC3 (laminin subunit gamma 3; plus strand). Cytogenetic location: 9q34.12.
Variant type: single nucleotide variant.
Coding change: c.3193G>T on transcript NM_006059.4 (MANE Select); coding-DNA position 3193, G replaced by T.
Protein change: p.Gly1065Cys; replaces glycine 1065 with cysteine.
Molecular consequence: missense variant.
Genome position (GRCh38, 1-based): chr9:131,071,607, G>T. VCF-style: chr9-131071607-G-T. GRCh37 (hg19) VCF-style: chr9-133946994-G-T.
Other names: short protein forms G1065C.
Identifiers: ClinVar variation 1428198 (VCV001428198.8), dbSNP rs2133322769, ClinGen allele CA375257553.